The following is an entry in ClinVar:

ClinVar aggregate classification (germline): Uncertain significance. Review status: criteria provided, multiple submitters, no conflicts (2 of 4 stars). 3 submissions from 3 submitters: Uncertain significance (3). Last evaluated 2026-01-19.

Conditions:
Cardiovascular phenotype. Identifiers: MedGen CN230736.
Hypertrophic cardiomyopathy. Also called: HYPERTROPHIC MYOCARDIOPATHY. Identifiers: Orphanet 217569, MedGen C0007194, MeSH D002312, MONDO:0005045, HP:0001639.

Submissions (3):

Labcorp Genetics (formerly Invitae), Labcorp
Classification: Uncertain significance for Hypertrophic cardiomyopathy. Last evaluated: 2026-01-19. Review status: criteria provided, single submitter. Criteria: Invitae Variant Classification Sherloc (09022015). Collection method: clinical testing. Allele origin: germline.
Comment: This sequence change replaces glutamine, which is neutral and polar, with lysine, which is basic and polar, at codon 1346 of the MYH7 protein (p.Gln1346Lys). This variant is not present in population databases (gnomAD no frequency). This variant has not been reported in the literature in individuals affected with MYH7-related conditions. ClinVar contains an entry for this variant (Variation ID: 181239). Invitae Evidence Modeling of protein sequence and biophysical properties (such as structural, functional, and spatial information, amino acid conservation, physicochemical variation, residue mobility, and thermodynamic stability) indicates that this missense variant is expected to disrupt MYH7 protein function with a positive predictive value of 95%. This variant disrupts the p.Gln1346 amino acid residue in MYH7. Other variant(s) that disrupt this residue have been determined to be pathogenic (internal data). This suggests that this residue is clinically significant, and that variants that disrupt this residue are likely to be disease-causing. In summary, the available evidence is currently insufficient to determine the role of this variant in disease. Therefore, it has been classified as a Variant of Uncertain Significance.

Ambry Genetics
Classification: Uncertain significance for Cardiovascular phenotype. Last evaluated: 2023-08-28. Review status: criteria provided, single submitter. Criteria: Ambry Variant Classification Scheme 2023. Collection method: clinical testing. Allele origin: germline.
Comment: The p.Q1346K variant (also known as c.4036C>A), located in coding exon 28 of the MYH7 gene, results from a C to A substitution at nucleotide position 4036. The glutamine at codon 1346 is replaced by lysine, an amino acid with similar properties. This amino acid position is highly conserved in available vertebrate species. In addition, this alteration is predicted to be deleterious by in silico analysis. Since supporting evidence is limited at this time, the clinical significance of this alteration remains unclear.

GeneDx
Classification: Uncertain significance. Last evaluated: 2020-04-29. Review status: criteria provided, single submitter. Criteria: GeneDx Variant Classification Process June 2021. Collection method: clinical testing. Allele origin: germline. Affected: yes.
Comment: Not observed in large population cohorts (Lek et al., 2016); In silico analysis supports that this missense variant has a deleterious effect on protein structure/function; Has not been previously published as pathogenic or benign to our knowledge

NM_000257.4(MYH7):c.4036C>A (p.Gln1346Lys)

Gene: MYH7 (myosin heavy chain 7; minus strand). Cytogenetic location: 14q11.2.
Variant type: single nucleotide variant.
Coding change: c.4036C>A on transcript NM_000257.4 (MANE Select); coding-DNA position 4036, C replaced by A.
Protein change: p.Gln1346Lys; replaces glutamine 1346 with lysine.
Molecular consequence: missense variant.
Genome position (GRCh38, 1-based): chr14:23,418,343, G>T on the plus strand (C>A on the coding strand, the complement: MYH7 is on the minus strand). VCF-style: chr14-23418343-G-T. GRCh37 (hg19) VCF-style: chr14-23887552-G-T.
Other names: p.Q1346K:CAG>AAG; c.4036C>A (LRG_384t1); short protein forms Q1346K.
Identifiers: ClinVar variation 181239 (VCV000181239.7), dbSNP rs730880787, ClinGen allele CA014382.